The following is an entry in ClinVar:

ClinVar aggregate classification (germline): Likely benign (1 of 4 stars; one submission).

gnomAD v4.1: 54 of 1,602,238 alleles (0.0034%); highest among the groups gnomAD compares: South Asian, 0.056%; no homozygotes.

Submission:

CeGaT Center for Human Genetics Tuebingen
Classification: Likely benign. Last evaluated: 2025-01-01. Review status: criteria provided, single submitter. Criteria: CeGaT Center For Human Genetics Tuebingen Variant Classification Criteria Version 2. Collection method: clinical testing. Allele origin: germline. Affected: yes. Observed: 1 variant allele.
Comment: PPP1R12A: BP4, BP7

NM_002480.3(PPP1R12A):c.1533T>C (p.Ile511=)

Gene: PPP1R12A (protein phosphatase 1 regulatory subunit 12A; minus strand). Cytogenetic location: 12q21.2.
Variant type: single nucleotide variant.
Coding change: c.1533T>C on transcript NM_002480.3 (MANE Select); coding-DNA position 1533, T replaced by C.
Protein change: p.Ile511=; no amino-acid change (isoleucine 511 retained).
Molecular consequence: synonymous variant.
Genome position (GRCh38, 1-based): chr12:79,808,500, A>G on the plus strand (T>C on the coding strand, the complement: PPP1R12A is on the minus strand). VCF-style: chr12-79808500-A-G. GRCh37 (hg19) VCF-style: chr12-80202280-A-G.
Other names: c.1533T>C, p.Ile511= (NM_001143885.2, NM_001244990.2, NM_001244992.1); c.1272T>C, p.Ile424= (NM_001143886.2).
Identifiers: ClinVar variation 3771915 (VCV003771915.13).